The following is an entry in ClinVar:

ClinVar aggregate classification (germline): Uncertain significance. Review status: criteria provided, multiple submitters, no conflicts (2 of 4 stars). 2 submissions from 2 submitters: Uncertain significance (2). Last evaluated 2022-03-10.

Allele frequency attached by ClinVar (database versions not stated): ExAC 0.00001; gnomAD 0.00001; gnomAD exomes 0.00001 and 0.00002; TOPMed 0.00001.

Submissions (2):

Labcorp Genetics (formerly Invitae), Labcorp
Classification: Uncertain significance. Last evaluated: 2022-03-10. Review status: criteria provided, single submitter. Criteria: Invitae Variant Classification Sherloc (09022015). Collection method: clinical testing. Allele origin: germline.
Comment: This sequence change replaces arginine, which is basic and polar, with glutamine, which is neutral and polar, at codon 188 of the CEP250 protein (p.Arg188Gln). This variant is present in population databases (rs755314316, gnomAD 0.003%). This variant has not been reported in the literature in individuals affected with CEP250-related conditions. ClinVar contains an entry for this variant (Variation ID: 1022445). Algorithms developed to predict the effect of missense changes on protein structure and function are either unavailable or do not agree on the potential impact of this missense change (SIFT: "Not Available"; PolyPhen-2: "Probably Damaging"; Align-GVGD: "Not Available"). In summary, the available evidence is currently insufficient to determine the role of this variant in disease. Therefore, it has been classified as a Variant of Uncertain Significance.

Blueprint Genetics
Classification: Uncertain significance. Last evaluated: 2020-04-22. Review status: criteria provided, single submitter. Criteria: ACMG Guidelines, 2015. Collection method: clinical testing. Allele origin: germline.

NM_007186.6(CEP250):c.563G>A (p.Arg188Gln)

Gene: CEP250 (centrosomal protein 250; plus strand). Cytogenetic location: 20q11.22.
Variant type: single nucleotide variant.
Coding change: c.563G>A on transcript NM_007186.6 (MANE Select); coding-DNA position 563, G replaced by A.
Protein change: p.Arg188Gln; replaces arginine 188 with glutamine.
Molecular consequence: missense variant. On other transcripts: 5 prime UTR variant (1).
Genome position (GRCh38, 1-based): chr20:35,467,036, G>A. VCF-style: chr20-35467036-G-A. GRCh37 (hg19) VCF-style: chr20-34054861-G-A.
Other names: c.-1337G>A (NM_001318219.1); short protein forms R188Q.
Identifiers: ClinVar variation 1022445 (VCV001022445.10), dbSNP rs755314316, ClinGen allele CA9832644.
Genomic context (GRCh38, chr20:35,467,036, plus strand): 5'-GCTACCTGAAAGGGGAGCACGGTCGCCTTCTCAGTCTATGGCGGGAGGTTGTGACATTCC[G>A]ACGCCACTTCCTGGAAATGAAGTCAGCTACTGACAGGTCAGTGTGGGGAGAAGAAGGGAG-3'
Protein context (NP_009117.2, residues 178-198): LSLWREVVTF[Arg188Gln]RHFLEMKSAT